The following is an entry in ClinVar:

NM_003482.4(KMT2D):c.12709G>A (p.Val4237Ile)

Gene: KMT2D (lysine methyltransferase 2D; minus strand). Cytogenetic location: 12q13.12.
Variant type: single nucleotide variant.
Coding change: c.12709G>A on transcript NM_003482.4 (MANE Select); coding-DNA position 12709, G replaced by A.
Protein change: p.Val4237Ile; replaces valine 4237 with isoleucine.
Molecular consequence: missense variant.
Genome position (GRCh38, 1-based): chr12:49,031,996, C>T on the plus strand (G>A on the coding strand, the complement: KMT2D is on the minus strand). VCF-style: chr12-49031996-C-T. GRCh37 (hg19) VCF-style: chr12-49425779-C-T.
Other names: short protein forms V4237I.
Identifiers: ClinVar variation 4094367 (VCV004094367.2).

ClinVar aggregate classification (germline): Uncertain significance. Review status: criteria provided, multiple submitters, no conflicts (2 of 4 stars). 2 submissions from 2 submitters: Uncertain significance (2). Last evaluated 2025-10-23.

Conditions:
Kabuki syndrome. Also called: NIIKAWA-KUROKI SYNDROME; Kabuki make-up syndrome. Identifiers: Orphanet 2322, MedGen C0796004, MONDO:0016512.
Inborn genetic diseases. Identifiers: MedGen C0950123, MeSH D030342.

Submissions (2):

Labcorp Genetics (formerly Invitae), Labcorp
Classification: Uncertain significance for Kabuki syndrome. Last evaluated: 2025-10-23. Review status: criteria provided, single submitter. Criteria: Invitae Variant Classification Sherloc (09022015). Collection method: clinical testing. Allele origin: germline.
Comment: This sequence change replaces valine, which is neutral and non-polar, with isoleucine, which is neutral and non-polar, at codon 4237 of the KMT2D protein (p.Val4237Ile). This variant is not present in population databases (gnomAD no frequency). This variant has not been reported in the literature in individuals affected with KMT2D-related conditions. ClinVar contains an entry for this variant (Variation ID: 4094367). Invitae Evidence Modeling of protein sequence and biophysical properties (such as structural, functional, and spatial information, amino acid conservation, physicochemical variation, residue mobility, and thermodynamic stability) indicates that this missense variant is not expected to disrupt KMT2D protein function with a negative predictive value of 95%. In summary, the available evidence is currently insufficient to determine the role of this variant in disease. Therefore, it has been classified as a Variant of Uncertain Significance.

Ambry Genetics
Classification: Uncertain significance for Inborn genetic diseases. Last evaluated: 2025-09-10. Review status: criteria provided, single submitter. Criteria: Ambry Variant Classification Scheme 2023. Collection method: clinical testing. Allele origin: germline.